The following is an entry in ClinVar:

NM_006514.4(SCN10A):c.3727G>A (p.Val1243Met)

Gene: SCN10A (sodium voltage-gated channel alpha subunit 10; minus strand). Cytogenetic location: 3p22.2.
Variant type: single nucleotide variant.
Coding change: c.3727G>A on transcript NM_006514.4 (MANE Select); coding-DNA position 3727, G replaced by A.
Protein change: p.Val1243Met; replaces valine 1243 with methionine.
Molecular consequence: missense variant.
Genome position (GRCh38, 1-based): chr3:38,714,035, C>T on the plus strand (G>A on the coding strand, the complement: SCN10A is on the minus strand). VCF-style: chr3-38714035-C-T. GRCh37 (hg19) VCF-style: chr3-38755526-C-T.
Other names: c.3724G>A, p.Val1242Met (NM_001293306.2); c.3433G>A, p.Val1145Met (NM_001293307.2); short protein forms V1145M, V1243M, V1242M.
Identifiers: ClinVar variation 1429567 (VCV001429567.12), dbSNP rs765684724, ClinGen allele CA2320138.

ClinVar aggregate classification (germline): Conflicting classifications of pathogenicity. Review status: criteria provided, conflicting classifications (1 of 4 stars). 4 submissions from 4 submitters: Uncertain significance (3); Likely benign (1). Last evaluated 2025-12-15.

Conditions:
Cardiovascular phenotype. Identifiers: MedGen CN230736.
Brugada syndrome. Also called: Sudden unexplained nocturnal death syndrome; Sudden unexpected nocturnal death syndrome; Sudden Unexplained Death Syndrome; Sudden Unexplained Nocturnal Death Syndrome (SUNDS). Identifiers: Orphanet 130, MedGen C1142166, MONDO:0015263.
Episodic pain syndrome, familial, 2 (FEPS2). Identifiers: Orphanet 306577, MedGen C3809893, MONDO:0014246, OMIM 615551.

Allele frequency attached by ClinVar (database versions not stated): ExAC 0.00001; gnomAD exomes 0.00001 and 0.00004; TOPMed 0.00001; gnomAD 0.00002.
gnomAD v4.1: 60 of 1,614,096 alleles (0.0037%); highest among the groups gnomAD compares: Non-Finnish European, 0.005%; no homozygotes.

Submissions (4):

Labcorp Genetics (formerly Invitae), Labcorp
Classification: Uncertain significance for Brugada syndrome. Last evaluated: 2025-12-15. Review status: criteria provided, single submitter. Criteria: Invitae Variant Classification Sherloc (09022015). Collection method: clinical testing. Allele origin: germline.
Comment: This sequence change replaces valine, which is neutral and non-polar, with methionine, which is neutral and non-polar, at codon 1243 of the SCN10A protein (p.Val1243Met). This variant is present in population databases (rs765684724, gnomAD 0.004%). This variant has not been reported in the literature in individuals affected with SCN10A-related conditions. ClinVar contains an entry for this variant (Variation ID: 1429567). Invitae Evidence Modeling of protein sequence and biophysical properties (such as structural, functional, and spatial information, amino acid conservation, physicochemical variation, residue mobility, and thermodynamic stability) indicates that this missense variant is not expected to disrupt SCN10A protein function with a negative predictive value of 95%. In summary, the available evidence is currently insufficient to determine the role of this variant in disease. Therefore, it has been classified as a Variant of Uncertain Significance.

GeneDx
Classification: Uncertain significance. Last evaluated: 2024-11-05. Review status: criteria provided, single submitter. Criteria: GeneDx Variant Classification Process June 2021. Collection method: clinical testing. Allele origin: germline. Affected: yes.
Comment: Has not been previously published as pathogenic or benign to our knowledge; Not observed at significant frequency in large population cohorts (gnomAD); In silico analysis indicates that this missense variant does not alter protein structure/function

Ambry Genetics
Classification: Likely benign for Cardiovascular phenotype. Last evaluated: 2022-05-30. Review status: criteria provided, single submitter. Criteria: Ambry Variant Classification Scheme 2023. Collection method: clinical testing. Allele origin: germline.

Fulgent Genetics
Classification: Uncertain significance for Episodic pain syndrome, familial, 2. Last evaluated: 2022-02-02. Review status: criteria provided, single submitter. Criteria: ACMG Guidelines, 2015. Collection method: clinical testing. Allele origin: unknown.